The following is an entry in ClinVar:

NM_001130682.3(GUCY1A1):c.1649C>T (p.Ala550Val)

Gene: GUCY1A1 (guanylate cyclase 1 soluble subunit alpha 1; plus strand). Cytogenetic location: 4q32.1.
Variant type: single nucleotide variant.
Coding change: c.1649C>T on transcript NM_001130682.3 (MANE Select); coding-DNA position 1649, C replaced by T.
Protein change: p.Ala550Val; replaces alanine 550 with valine.
Molecular consequence: missense variant.
Genome position (GRCh38, 1-based): chr4:155,717,235, C>T. VCF-style: chr4-155717235-C-T. GRCh37 (hg19) VCF-style: chr4-156638387-C-T.
Other names: p.Ala550Val; c.1649C>T, p.Ala550Val (NM_000856.6, NM_001130683.4, NM_001130684.3 and 12 more transcripts); c.944C>T, p.Ala315Val (NM_001130685.3, NM_001440518.1); c.1142C>T, p.Ala381Val (NM_001379676.1); short protein forms A315V, A381V, A550V.
Identifiers: ClinVar variation 4541015 (VCV004541015.1).

ClinVar aggregate classification (germline): Uncertain significance (1 of 4 stars; one submission).

Submission:

Mayo Clinic Laboratories, Mayo Clinic
Classification: Uncertain significance. Last evaluated: 2025-09-30. Review status: criteria provided, single submitter. Criteria: ACMG Guidelines, 2015. Collection method: clinical testing. Allele origin: germline. Observed: 1 variant allele.
Comment: PP3